The following is an entry in ClinVar:

NM_007118.4(TRIO):c.938C>T (p.Thr313Ile)

Gene: TRIO (trio Rho guanine nucleotide exchange factor; plus strand). Cytogenetic location: 5p15.2.
Variant type: single nucleotide variant.
Coding change: c.938C>T on transcript NM_007118.4 (MANE Select); coding-DNA position 938, C replaced by T.
Protein change: p.Thr313Ile; replaces threonine 313 with isoleucine.
Molecular consequence: missense variant. On other transcripts: non-coding transcript variant (1).
Genome position (GRCh38, 1-based): chr5:14,291,113, C>T. VCF-style: chr5-14291113-C-T. GRCh37 (hg19) VCF-style: chr5-14291222-C-T.
Other names: short protein forms T313I.
Identifiers: ClinVar variation 3359273 (VCV003359273.2).

ClinVar aggregate classification (germline): Uncertain significance. Review status: criteria provided, multiple submitters, no conflicts (2 of 4 stars). 2 submissions from 2 submitters: Uncertain significance (2). Last evaluated 2025-05-13.

Conditions:
Inborn genetic diseases. Identifiers: MedGen C0950123, MeSH D030342.

gnomAD v4.1: 13 of 1,614,192 alleles (0.00081%); highest among the groups gnomAD compares: South Asian, 0.013%; no homozygotes.

Submissions (2):

Ambry Genetics
Classification: Uncertain significance for Inborn genetic diseases. Last evaluated: 2025-05-13. Review status: criteria provided, single submitter. Criteria: Ambry Variant Classification Scheme 2023. Collection method: clinical testing. Allele origin: germline.

GeneDx
Classification: Uncertain significance. Last evaluated: 2023-06-02. Review status: criteria provided, single submitter. Criteria: GeneDx Variant Classification Process June 2021. Collection method: clinical testing. Allele origin: germline. Affected: yes.
Comment: In silico analysis supports that this missense variant has a deleterious effect on protein structure/function; Has not been previously published as pathogenic or benign to our knowledge